The following is an entry in ClinVar:

NM_004369.4(COL6A3):c.1759G>T (p.Ala587Ser)

Gene: COL6A3 (collagen type VI alpha 3 chain; minus strand). Cytogenetic location: 2q37.3.
Variant type: single nucleotide variant.
Coding change: c.1759G>T on transcript NM_004369.4 (MANE Select); coding-DNA position 1759, G replaced by T.
Protein change: p.Ala587Ser; replaces alanine 587 with serine.
Molecular consequence: missense variant.
Genome position (GRCh38, 1-based): chr2:237,381,053, C>A on the plus strand (G>T on the coding strand, the complement: COL6A3 is on the minus strand). VCF-style: chr2-237381053-C-A. GRCh37 (hg19) VCF-style: chr2-238289696-C-A.
Other names: c.538G>T, p.Ala180Ser (NM_057164.5, NM_057166.5); c.1141G>T, p.Ala381Ser (NM_057165.5, NM_057167.4); short protein forms A381S, A180S, A587S.
Identifiers: ClinVar variation 954091 (VCV000954091.10), dbSNP rs2077990679, ClinGen allele CA351217044.
Genomic context (GRCh38, chr2:237,381,053, plus strand): 5'-CAGCTGGGATGAACACCAGGGAGGAGTCGAAAGCGATCTCTTCCAGCTCAGCCTGATCGG[C>A]ACCCTTGTTCCCAATGGCAAAGGCCATTATGCTGCTTCTCTTCAGCTCCTGGGCAGGCTG-3'
Protein context (NP_004360.2, residues 577-597): IMAFAIGNKG[Ala587Ser]DQAELEEIAF

ClinVar aggregate classification (germline): Uncertain significance (1 of 4 stars; one submission).

Conditions:
Bethlem myopathy 1A. Also called: Bethlem Muscular Dystrophy; Bethlem myopathy 1; MYOPATHY, BENIGN CONGENITAL, WITH CONTRACTURES. Identifiers: Orphanet 610, MedGen CN029274, MONDO:0024530, OMIM 158810.

Allele frequency attached by ClinVar (database versions not stated): TOPMed below 0.00001; gnomAD 0.00001.
gnomAD v4.1: 5 of 1,614,072 alleles (0.00031%); highest among the groups gnomAD compares: Non-Finnish European, 0.00042%; no homozygotes.

Submission:

Labcorp Genetics (formerly Invitae), Labcorp
Classification: Uncertain significance for Bethlem myopathy 1A. Last evaluated: 2020-02-15. Review status: criteria provided, single submitter. Criteria: Invitae Variant Classification Sherloc (09022015). Collection method: clinical testing. Allele origin: germline.
Comment: This sequence change replaces alanine with serine at codon 587 of the COL6A3 protein (p.Ala587Ser). The alanine residue is highly conserved and there is a moderate physicochemical difference between alanine and serine. In summary, the available evidence is currently insufficient to determine the role of this variant in disease. Therefore, it has been classified as a Variant of Uncertain Significance. Algorithms developed to predict the effect of missense changes on protein structure and function are either unavailable or do not agree on the potential impact of this missense change (SIFT: "Tolerated"; PolyPhen-2: "Probably Damaging"; Align-GVGD: "Class C0"). This variant has not been reported in the literature in individuals with COL6A3-related conditions. This variant is not present in population databases (ExAC no frequency).